The following is an entry in ClinVar:

ClinVar aggregate classification (germline): Uncertain significance. Review status: criteria provided, multiple submitters, no conflicts (2 of 4 stars). 2 submissions from 2 submitters: Uncertain significance (2). Last evaluated 2025-08-21.

Conditions:
MPI-congenital disorder of glycosylation. Also called: CDG Ib; PROTEIN-LOSING ENTEROPATHY-HEPATIC FIBROSIS SYNDROME; CONGENITAL DISORDER OF GLYCOSYLATION, TYPE Ib; MPI-CDG; MPI DEFICIENCY; MANNOSEPHOSPHATE ISOMERASE DEFICIENCY. Identifiers: Orphanet 79319, MedGen C1865145, MONDO:0011257, OMIM 602579.

Allele frequency attached by ClinVar (database versions not stated): TOPMed below 0.00001.

Submissions (2):

Labcorp Genetics (formerly Invitae), Labcorp
Classification: Uncertain significance for MPI-congenital disorder of glycosylation. Last evaluated: 2025-08-21. Review status: criteria provided, single submitter. Criteria: Invitae Variant Classification Sherloc (09022015). Collection method: clinical testing. Allele origin: germline.
Comment: This sequence change replaces serine, which is neutral and polar, with arginine, which is basic and polar, at codon 204 of the MPI protein (p.Ser204Arg). This variant is not present in population databases (gnomAD no frequency). This variant has not been reported in the literature in individuals affected with MPI-related conditions. ClinVar contains an entry for this variant (Variation ID: 285772). Invitae Evidence Modeling of protein sequence and biophysical properties (such as structural, functional, and spatial information, amino acid conservation, physicochemical variation, residue mobility, and thermodynamic stability) indicates that this missense variant is not expected to disrupt MPI protein function with a negative predictive value of 80%. In summary, the available evidence is currently insufficient to determine the role of this variant in disease. Therefore, it has been classified as a Variant of Uncertain Significance.

Eurofins Ntd Llc (ga)
Classification: Uncertain significance. Last evaluated: 2016-01-12. Review status: criteria provided, single submitter. Criteria: EGL Classification Definitions 2015. Collection method: clinical testing. Allele origin: germline. Observed: 1 variant allele, 1 heterozygote.

NM_002435.3(MPI):c.612T>G (p.Ser204Arg)

Gene: MPI (mannose phosphate isomerase; plus strand). Cytogenetic location: 15q24.1.
Variant type: single nucleotide variant.
Coding change: c.612T>G on transcript NM_002435.3 (MANE Select); coding-DNA position 612, T replaced by G.
Protein change: p.Ser204Arg; replaces serine 204 with arginine.
Molecular consequence: missense variant. On other transcripts: intron variant (1).
Genome position (GRCh38, 1-based): chr15:74,893,262, T>G. VCF-style: chr15-74893262-T-G. GRCh37 (hg19) VCF-style: chr15-75185603-T-G.
Other names: c.612T>G, p.Ser204Arg (NM_001289155.2); c.462T>G, p.Ser154Arg (NM_001289156.2); c.552T>G, p.Ser184Arg (NM_001330372.2); c.487+460T>G (NM_001289157.2); short protein forms S204R, S154R, S184R.
Identifiers: ClinVar variation 285772 (VCV000285772.6), dbSNP rs886043207, ClinGen allele CA10605239.
Genomic context (GRCh38, chr15:74,893,262, plus strand): 5'-CCATGACTCCCAGGCTGTGGCCTCCTCTCTGCAGAGCTGTTTCTCCCACCTGATGAAGAG[T>G]GAGAAGAAGGTGGTGGTGGAACAGCTCAACCTGTTGGTGAAGCGGATCTCCCAGCAAGGT-3'
Protein context (NP_002426.1, residues 194-214): LQSCFSHLMK[Ser204Arg]EKKVVVEQLN